The following is an entry in ClinVar:

NM_002235.5(KCNA6):c.279C>G (p.Phe93Leu)

Genes: KCNA6 (potassium voltage-gated channel subfamily A member 6; plus strand), KCNA6-AS1 (KCNA6 antisense RNA 1; minus strand). Cytogenetic location: 12p13.32.
Variant type: single nucleotide variant.
Coding change: c.279C>G on transcript NM_002235.5 (MANE Select); coding-DNA position 279, C replaced by G.
Protein change: p.Phe93Leu; replaces phenylalanine 93 with leucine.
Molecular consequence: missense variant. On other transcripts: non-coding transcript variant (3).
Genome position (GRCh38, 1-based): chr12:4,810,320, C>G. VCF-style: chr12-4810320-C-G. GRCh37 (hg19) VCF-style: chr12-4919486-C-G.
Other names: short protein forms F93L.
Identifiers: ClinVar variation 4077301 (VCV004077301.1).

ClinVar aggregate classification (germline): Uncertain significance (1 of 4 stars; one submission).

Submission:

GeneDx
Classification: Uncertain significance. Last evaluated: 2025-02-27. Review status: criteria provided, single submitter. Criteria: GeneDx Variant Classification Process June 2021. Collection method: clinical testing. Allele origin: germline. Affected: yes.
Comment: Not observed at significant frequency in large population cohorts (gnomAD); In silico analysis supports that this missense variant has a deleterious effect on protein structure/function; Has not been previously published as pathogenic or benign to our knowledge